The following is an entry in ClinVar:

NM_016203.4(PRKAG2):c.55G>T (p.Gly19Trp)

Gene: PRKAG2 (protein kinase AMP-activated non-catalytic subunit gamma 2; minus strand). Cytogenetic location: 7q36.1.
Variant type: single nucleotide variant.
Coding change: c.55G>T on transcript NM_016203.4 (MANE Select); coding-DNA position 55, G replaced by T.
Protein change: p.Gly19Trp; replaces glycine 19 with tryptophan.
Molecular consequence: missense variant.
Genome position (GRCh38, 1-based): chr7:151,876,566, C>A on the plus strand (G>T on the coding strand, the complement: PRKAG2 is on the minus strand). VCF-style: chr7-151876566-C-A. GRCh37 (hg19) VCF-style: chr7-151573651-C-A.
Other names: c.55G>T, p.Gly19Trp (NM_001407021.1, NM_001407022.1, NM_001407023.1 and 2 more transcripts); short protein forms G19W.
Identifiers: ClinVar variation 3071093 (VCV003071093.1), dbSNP rs2485879769, ClinGen allele CA370071959.
Genomic context (GRCh38, chr7:151,876,566, plus strand): 5'-CCGGAATGTGCACGCGCAGCGAACGCCTCTTCTGGCTGGCATTTTTCTTGCCGCCGCTCC[C>A]GCCGGGGCTGGAAACATCTTTTTTCTTCTTGGTGTCCATAACCGCGCTTCCCATAACTCT-3'
Protein context (NP_057287.2, residues 9-29): KKKKDVSSPG[Gly19Trp]SGGKKNASQK

ClinVar aggregate classification (germline): Uncertain significance (1 of 4 stars; one submission).

Conditions:
Hypertrophic cardiomyopathy. Also called: HYPERTROPHIC MYOCARDIOPATHY. Identifiers: Orphanet 217569, MedGen C0007194, MeSH D002312, MONDO:0005045, HP:0001639.

Submission:

All of Us Research Program, National Institutes of Health
Classification: Uncertain significance for Hypertrophic cardiomyopathy. Last evaluated: 2023-05-16. Review status: criteria provided, single submitter. Criteria: ACMG Guidelines, 2015. Collection method: clinical testing. Allele origin: germline. Inheritance: Autosomal dominant inheritance. Observed: 1 variant allele, 1 heterozygote.
Comment: This missense variant replaces glycine with tryptophan at codon 19 of the PRKAG2 protein. Computational prediction suggests that this variant may not impact protein structure and function (internally defined REVEL score threshold <= 0.5, PMID: 27666373). To our knowledge, functional studies have not been reported for this variant. This variant has not been reported in individuals affected with PRKAG2-related disorders in the literature. This variant has not been identified in the general population by the Genome Aggregation Database (gnomAD). The available evidence is insufficient to determine the role of this variant in disease conclusively. Therefore, this variant is classified as a Variant of Uncertain Significance.

This study involves interpretation of variants in research participants for the purpose of population health screening. Participant phenotype was not available at the time of variant classification. Additional details can be found in publication PMID: 35346344, PMCID: PMC8962531